The following is an entry in ClinVar:

NM_000179.3(MSH6):c.3519_3522dup (p.Thr1175fs)

Gene: MSH6 (mutS homolog 6; plus strand). Cytogenetic location: 2p16.3.
Variant type: Duplication.
Coding change: c.3519_3522dup on transcript NM_000179.3 (MANE Select); coding-DNA positions 3519 to 3522, 4 bases duplicated (GTTT; older notation c.3519_3522dupGTTT).
Protein change: p.Thr1175fs; shifts the reading frame from threonine 1175.
Molecular consequence: frameshift variant.
Genome position (GRCh38, 1-based): chr2:47,804,990-47,804,993, GTTT duplicated; duplicating any 4 consecutive bases within chr2:47,804,989-47,804,993 gives the same sequence; the c. name uses the placement nearest the transcript's 3' end. VCF-style (leftmost placement, unchanged base first): chr2-47804988-G-GTGTT. GRCh37 (hg19) VCF-style: chr2-48032127-G-GTGTT.
Other names: c.3129_3132dup, p.Thr1045fs (NM_001281492.2); c.2613_2616dup, p.Thr873fs (NM_001281493.2, NM_001281494.2); c.3519_3522dupGTTT (NM_000179.2); short protein forms T1045fs, T873fs, T1175fs.
Identifiers: ClinVar variation 89408 (VCV000089408.12), dbSNP rs267608101, ClinGen allele CA013281.

ClinVar aggregate classification (germline): Pathogenic. Review status: reviewed by expert panel (3 of 4 stars). 8 submissions from 8 submitters: Pathogenic (1). 7 of the submissions do not count toward it. Last evaluated 2013-09-05.

Conditions:
Hereditary cancer-predisposing syndrome. Also called: Tumor predisposition; Hereditary Cancer Syndrome; Hereditary neoplastic syndrome; Neoplastic Syndromes, Hereditary. Identifiers: Orphanet 140162, MedGen C0027672, MeSH D009386, MONDO:0015356.
Lynch syndrome. Identifiers: Orphanet 144, MedGen C4552100, MONDO:0005835. Disease mechanism: loss of function.
Lynch syndrome 5 (LYNCH5). Also called: Colorectal cancer, hereditary nonpolyposis, type 5; Hereditary non-polyposis colorectal cancer, type 5. Identifiers: Orphanet 144, MedGen C1833477, MONDO:0013710, OMIM 614350. Disease mechanism: loss of function.

Submissions (8):

International Society for Gastrointestinal Hereditary Tumours (InSiGHT)
Classification: Pathogenic for Lynch Syndrome. Last evaluated: 2013-09-05. Review status: reviewed by expert panel. Criteria: Guidelines v1.9. Collection method: research. Allele origin: germline.
Comment: Coding sequence variation resulting in a stop codon

Classified with v1.9 guidelines

Ambry Genetics
Classification: Pathogenic for Hereditary cancer-predisposing syndrome. Last evaluated: 2024-02-22. Review status: criteria provided, single submitter. Criteria: Ambry Variant Classification Scheme 2023. Collection method: clinical testing. Allele origin: germline. Not counted in ClinVar's aggregate classification.
Comment: The c.3519_3522dupGTTT pathogenic mutation, located in coding exon 6 of the MSH6 gene, results from a duplication of GTTT at nucleotide position 3519, causing a translational frameshift with a predicted alternate stop codon (p.T1175Vfs*3). This mutation was detected in a proband with colorectal cancer that demonstrated high microsatellite instability and loss of MSH6 staining by immunohistochemistry (IHC) (van Lier MG et al. J Pathol, 2012 Apr;226:764-74), and was also detected in 1/108 Dutch families with a clinical suspicion of Lynch syndrome (Ramsoekh D et al. Gut, 2008 Nov;57:1539-44). In addition to the clinical data presented in the literature, this alteration is expected to result in loss of function by premature protein truncation or nonsense-mediated mRNA decay. As such, this alteration is interpreted as a disease-causing mutation.

GeneDx
Classification: Pathogenic. Last evaluated: 2023-12-29. Review status: criteria provided, single submitter. Criteria: GeneDx Variant Classification Process June 2021. Collection method: clinical testing. Allele origin: germline. Affected: yes. Not counted in ClinVar's aggregate classification.
Comment: Frameshift variant predicted to result in protein truncation or nonsense mediated decay in a gene for which loss of function is a known mechanism of disease; Not observed at significant frequency in large population cohorts (gnomAD); Truncating variants in this gene are considered pathogenic by a well-established clinical consortium and/or database; Observed in individuals with clinical suspicion of Lynch syndrome (PMID: 18625694); This variant is associated with the following publications: (PMID: 18625694)

Myriad Genetics, Inc.
Classification: Pathogenic for Lynch syndrome 5. Last evaluated: 2023-08-24. Review status: criteria provided, single submitter. Criteria: Myriad Autosomal Dominant, Autosomal Recessive and X-Linked Classification Criteria (2023). Collection method: clinical testing. Allele origin: unknown. Not counted in ClinVar's aggregate classification.
Comment: This variant is considered pathogenic. This variant creates a frameshift predicted to result in premature protein truncation.

Clinical Genetics DNA and cytogenetics Diagnostics Lab, Erasmus MC, Erasmus Medical Center
Classification: Pathogenic. Review status: no assertion criteria provided. Collection method: clinical testing. Allele origin: germline. Affected: yes. Study: VKGL Data-share Consensus. Not counted in ClinVar's aggregate classification.

Department of Pathology and Laboratory Medicine, Sinai Health System
Classification: Pathogenic. Review status: no assertion criteria provided. Collection method: clinical testing. Allele origin: unknown. Affected: yes. Observed: 1 variant allele. Study: The Canadian Open Genetics Repository (COGR). Not counted in ClinVar's aggregate classification.

Laboratory of Diagnostic Genome Analysis, Leiden University Medical Center (LUMC)
Classification: Pathogenic. Review status: no assertion criteria provided. Collection method: clinical testing. Allele origin: germline. Affected: yes. Study: VKGL Data-share Consensus. Not counted in ClinVar's aggregate classification.

Mayo Clinic Laboratories, Mayo Clinic
Classification: Pathogenic. Review status: no assertion criteria provided. Collection method: clinical testing. Allele origin: unknown. Not counted in ClinVar's aggregate classification.

Literature cited by the submitters: PubMed 18625694 (cited by Ambry Genetics); PubMed 22081473 (cited by Ambry Genetics).